The following is an entry in ClinVar:

ClinVar aggregate classification (germline): Uncertain significance (1 of 4 stars; one submission).

Submission:

GeneDx
Classification: Uncertain significance. Last evaluated: 2025-06-02. Review status: criteria provided, single submitter. Criteria: GeneDx Variant Classification Process June 2021. Collection method: clinical testing. Allele origin: germline. Affected: yes.
Comment: Not observed at significant frequency in large population cohorts (gnomAD); In silico analysis supports that this missense variant has a deleterious effect on protein structure/function; Has not been previously published as pathogenic or benign to our knowledge

NM_139137.4(KCNC2):c.661G>T (p.Asp221Tyr)

Gene: KCNC2 (potassium voltage-gated channel subfamily C member 2; minus strand). Cytogenetic location: 12q21.1.
Variant type: single nucleotide variant.
Coding change: c.661G>T on transcript NM_139137.4 (MANE Select); coding-DNA position 661, G replaced by T.
Protein change: p.Asp221Tyr; replaces aspartic acid 221 with tyrosine.
Molecular consequence: missense variant. On other transcripts: non-coding transcript variant (2).
Genome position (GRCh38, 1-based): chr12:75,207,323, C>A on the plus strand (G>T on the coding strand, the complement: KCNC2 is on the minus strand). VCF-style: chr12-75207323-C-A. GRCh37 (hg19) VCF-style: chr12-75601103-C-A.
Other names: c.661G>T, p.Asp221Tyr (NM_001260497.2, NM_001260498.2, NM_001260499.2 and 13 more transcripts); short protein forms D221Y.
Identifiers: ClinVar variation 4536393 (VCV004536393.1).
Genomic context (GRCh38, chr12:75,207,323, plus strand): 5'-GAAGCAGCAGGGAAGGGGTCGATTCTGGCCTTACCCTGGCGGCTCTGGACGAGTAGGGGT[C>A]TTCGAAGAGGGCCCACATGCGGGGCTGCAGCCTCCTCCAGCGGCCAGATTTGCCGTCGGG-3'
Protein context (NP_631875.1, residues 211-231): LQPRMWALFE[Asp221Tyr]PYSSRAARFI